The following is an entry in ClinVar:

ClinVar aggregate classification (germline): Likely pathogenic (1 of 4 stars; one submission).

Conditions:
Pheochromocytoma. Also called: MAX-Related Hereditary Paraganglioma-Pheochromocytoma Syndrome. Identifiers: Orphanet 29072, MedGen C0031511, MONDO:0008233, OMIM 171300, HP:0002666.
Pheochromocytoma/paraganglioma syndrome 4. Also called: PHEOCHROMOCYTOMA, FAMILIAL EXTRAADRENAL; CAROTID BODY TUMORS AND MULTIPLE EXTRAADRENAL PHEOCHROMOCYTOMAS; PARAGANGLIOMA, FAMILIAL MALIGNANT; PARAGANGLIOMAS, HEREDITARY EXTRAADRENAL; Paragangliomas 4; SDHB-Related Hereditary Paraganglioma-Pheochromocytoma Syndrome (Paragangliomas 4). Identifiers: Orphanet 29072, MedGen C1861848, MONDO:0007273, OMIM 115310.
Gastrointestinal stromal tumor. Also called: Gastrointestinal stromal tumor, somatic; Gastrointestinal stroma tumor. Identifiers: Orphanet 44890, MedGen C0238198, MeSH D046152, MONDO:0011719, OMIM 606764, HP:0100723.

Submission:

Labcorp Genetics (formerly Invitae), Labcorp
Classification: Likely pathogenic for Gastrointestinal stromal tumor; Pheochromocytoma/paraganglioma syndrome 4; Pheochromocytoma. Last evaluated: 2022-02-18. Review status: criteria provided, single submitter. Criteria: Invitae Variant Classification Sherloc (09022015). Collection method: clinical testing. Allele origin: germline.
Comment: In summary, the currently available evidence indicates that the variant is pathogenic, but additional data are needed to prove that conclusively. Therefore, this variant has been classified as Likely Pathogenic. This variant disrupts the p.Cys189 amino acid residue in SDHB. Other variant(s) that disrupt this residue have been determined to be pathogenic (PMID: 19001511; Invitae). This suggests that this residue is clinically significant, and that variants that disrupt this residue are likely to be disease-causing. Advanced modeling of protein sequence and biophysical properties (such as structural, functional, and spatial information, amino acid conservation, physicochemical variation, residue mobility, and thermodynamic stability) performed at Invitae indicates that this missense variant is expected to disrupt SDHB protein function. This missense change has been observed in individual(s) with paraganglioma (Invitae). This variant is not present in population databases (gnomAD no frequency). This sequence change replaces cysteine, which is neutral and slightly polar, with tryptophan, which is neutral and slightly polar, at codon 189 of the SDHB protein (p.Cys189Trp).

Literature cited by the submitters: PubMed 19001511.

NM_003000.3(SDHB):c.567T>G (p.Cys189Trp)

Gene: SDHB (succinate dehydrogenase complex iron sulfur subunit B; minus strand). Cytogenetic location: 1p36.13.
Variant type: single nucleotide variant.
Coding change: c.567T>G on transcript NM_003000.3 (MANE Select); coding-DNA position 567, T replaced by G.
Protein change: p.Cys189Trp; replaces cysteine 189 with tryptophan.
Molecular consequence: missense variant.
Genome position (GRCh38, 1-based): chr1:17,024,048, A>C on the plus strand (T>G on the coding strand, the complement: SDHB is on the minus strand). VCF-style: chr1-17024048-A-C. GRCh37 (hg19) VCF-style: chr1-17350543-A-C.
Other names: short protein forms C189W.
Identifiers: ClinVar variation 1516610 (VCV001516610.6), dbSNP rs2101516550, ClinGen allele CA338271308.
Genomic context (GRCh38, chr1:17,024,048, plus strand): 5'-AGGCCCCAGATATTTGTCTCCGTTCCACCAGTAGCTGGGGCAGCTGGTGCTACAGCAGGC[A>C]CAGAGAATGCACTCGTAGAGCCCGTCCTGTATGGGGAGAAAAGAGAGGCAGGAGCTTGTG-3'
Protein context (NP_002991.2, residues 179-199): KLDGLYECIL[Cys189Trp]ACCSTSCPSY